The following is an entry in ClinVar:

ClinVar aggregate classification (germline): Uncertain significance (1 of 4 stars; one submission).

Conditions:
Idiopathic generalized epilepsy. Also called: Generalised epilepsy; EIG. Identifiers: MedGen C0270850, MONDO:0005579, OMIM 600669.

Submission:

Labcorp Genetics (formerly Invitae), Labcorp
Classification: Uncertain significance for Idiopathic generalized epilepsy. Last evaluated: 2023-10-31. Review status: criteria provided, single submitter. Criteria: Invitae Variant Classification Sherloc (09022015). Collection method: clinical testing. Allele origin: unknown.
Comment: This variant results in the deletion of part of exon 11 and exons 12-13 (c.1050_*78861del) of the RBFOX1 gene. While this deletion is not anticipated to lead to nonsense mediated decay, it is expected to alter mRNA translation or result in a truncated protein product. This variant has not been reported in the literature in individuals affected with RBFOX1-related conditions. In summary, the available evidence is currently insufficient to determine the role of this variant in disease. Therefore, it has been classified as a Variant of Uncertain Significance.

NC_000016.9:g.(?_7726832)_(7839608_?)del

Gene: RBFOX1 (RNA binding fox-1 homolog 1; plus strand). Cytogenetic location: 16p13.3.
Variant type: Deletion.
Identifiers: ClinVar variation 3243335 (VCV003243335.1).